The following is an entry in ClinVar:

NM_000038.6(APC):c.295C>G (p.Arg99Gly)

Gene: APC (APC regulator of Wnt signaling pathway; plus strand). Cytogenetic location: 5q22.2.
Variant type: single nucleotide variant.
Coding change: c.295C>G on transcript NM_000038.6 (MANE Select); coding-DNA position 295, C replaced by G.
Protein change: p.Arg99Gly; replaces arginine 99 with glycine.
Molecular consequence: missense variant. On other transcripts: 5 prime UTR variant (1).
Genome position (GRCh38, 1-based): chr5:112,767,263, C>G. VCF-style: chr5-112767263-C-G. GRCh37 (hg19) VCF-style: chr5-112102960-C-G.
Other names: c.295C>G, p.Arg99Gly (NM_001127510.3, NM_001354895.2, NM_001354896.2 and 16 more transcripts); c.325C>G, p.Arg109Gly (NM_001127511.3, NM_001354897.2, NM_001354902.2 and 1 more transcripts); c.220C>G, p.Arg74Gly (NM_001354898.2, NM_001354904.2, NM_001407451.1); c.118C>G, p.Arg40Gly (NM_001354900.2, NM_001354901.2, NM_001354905.2 and 1 more transcripts); c.-741C>G (NM_001354906.2, NM_001407470.1, NM_001407471.1 and 1 more transcripts); short protein forms R109G, R74G, R40G, R99G.
Identifiers: ClinVar variation 1798149 (VCV001798149.2), dbSNP rs139196838, ClinGen allele CA16021975.

ClinVar aggregate classification (germline): Uncertain significance (1 of 4 stars; one submission).

Conditions:
Hereditary cancer-predisposing syndrome. Also called: Neoplastic Syndromes, Hereditary; Tumor predisposition; Hereditary Cancer Syndrome; Hereditary neoplastic syndrome. Identifiers: Orphanet 140162, MedGen C0027672, MeSH D009386, MONDO:0015356.

Submission:

Ambry Genetics
Classification: Uncertain significance for Hereditary cancer-predisposing syndrome. Last evaluated: 2022-09-29. Review status: criteria provided, single submitter. Criteria: Ambry Variant Classification Scheme 2023. Collection method: clinical testing. Allele origin: germline.
Comment: The p.R99G variant (also known as c.295C>G), located in coding exon 3 of the APC gene, results from a C to G substitution at nucleotide position 295. The arginine at codon 99 is replaced by glycine, an amino acid with dissimilar properties. This amino acid position is highly conserved in available vertebrate species. In addition, in silico predictors for this gene do not accurately predict pathogenicity. Since supporting evidence is limited at this time, the clinical significance of this alteration remains unclear.